The following is an entry in ClinVar:

NM_001003800.2(BICD2):c.809C>T (p.Ser270Phe)

Gene: BICD2 (BICD cargo adaptor 2; minus strand). Cytogenetic location: 9q22.31.
Variant type: single nucleotide variant.
Coding change: c.809C>T on transcript NM_001003800.2 (MANE Select); coding-DNA position 809, C replaced by T.
Protein change: p.Ser270Phe; replaces serine 270 with phenylalanine.
Molecular consequence: missense variant.
Genome position (GRCh38, 1-based): chr9:92,720,553, G>A on the plus strand (C>T on the coding strand, the complement: BICD2 is on the minus strand). VCF-style: chr9-92720553-G-A. GRCh37 (hg19) VCF-style: chr9-95482835-G-A.
Other names: c.809C>T, p.Ser270Phe (NM_015250.4); short protein forms S270F.
Identifiers: ClinVar variation 573674 (VCV000573674.9), dbSNP rs375710311, ClinGen allele CA374043434.

ClinVar aggregate classification (germline): Uncertain significance (1 of 4 stars; one submission).

Conditions:
Autosomal dominant childhood-onset proximal spinal muscular atrophy with contractures (SMALED2A). Also called: SPINAL MUSCULAR ATROPHY, LOWER EXTREMITY-PREDOMINANT, 2A, CHILDHOOD ONSET, AUTOSOMAL DOMINANT; Spinal muscular atrophy, lower extremity-predominant, 2A, autosomal dominant. Identifiers: Orphanet 363447, Orphanet 363454, MedGen C4747715, MONDO:0014121, OMIM 615290.

Allele frequency attached by ClinVar (database versions not stated): gnomAD exomes below 0.00001.
gnomAD v4.1: 1 of 1,614,154 alleles (0.000062%); highest among the groups gnomAD compares: Non-Finnish European, 0.000085%; no homozygotes.

Submission:

Labcorp Genetics (formerly Invitae), Labcorp
Classification: Uncertain significance for Autosomal dominant childhood-onset proximal spinal muscular atrophy with contractures. Last evaluated: 2020-11-15. Review status: criteria provided, single submitter. Criteria: Invitae Variant Classification Sherloc (09022015). Collection method: clinical testing. Allele origin: germline.
Comment: Algorithms developed to predict the effect of missense changes on protein structure and function (SIFT, PolyPhen-2, Align-GVGD) all suggest that this variant is likely to be tolerated, but these predictions have not been confirmed by published functional studies and their clinical significance is uncertain. This variant has not been reported in the literature in individuals with BICD2-related disease. This variant is not present in population databases (ExAC no frequency). In summary, the available evidence is currently insufficient to determine the role of this variant in disease. Therefore, it has been classified as a Variant of Uncertain Significance. This sequence change replaces serine with phenylalanine at codon 270 of the BICD2 protein (p.Ser270Phe). The serine residue is highly conserved and there is a large physicochemical difference between serine and phenylalanine.